The following is an entry in ClinVar:

NM_000204.5(CFI):c.1006C>A (p.Arg336=)

Gene: CFI (complement factor I; minus strand). Cytogenetic location: 4q25.
Variant type: single nucleotide variant.
Coding change: c.1006C>A on transcript NM_000204.5 (MANE Select); coding-DNA position 1006, C replaced by A.
Protein change: p.Arg336=; no amino-acid change (arginine 336 retained).
Molecular consequence: synonymous variant. On other transcripts: non-coding transcript variant (3).
Genome position (GRCh38, 1-based): chr4:109,749,537, G>T on the plus strand (C>A on the coding strand, the complement: CFI is on the minus strand). VCF-style: chr4-109749537-G-T. GRCh37 (hg19) VCF-style: chr4-110670693-G-T.
Other names: c.1030C>A, p.Arg344= (NM_001318057.2, NM_001375278.1); c.985C>A, p.Arg329= (NM_001331035.2, NM_001375280.1, NM_001375282.1); c.1006C>A, p.Arg336= (NM_001375279.1, NM_001375281.1); c.949C>A, p.Arg317= (NM_001375283.1); c.397C>A, p.Arg133= (NM_001375284.1).
Identifiers: ClinVar variation 3677477 (VCV003677477.2).

ClinVar aggregate classification (germline): Uncertain significance (1 of 4 stars; one submission).

gnomAD v4.1: 3 of 1,613,508 alleles (0.00019%); highest among the groups gnomAD compares: Admixed American, 0.0017%; no homozygotes.

Submission:

Labcorp Genetics (formerly Invitae), Labcorp
Classification: Uncertain significance. Last evaluated: 2025-11-12. Review status: criteria provided, single submitter. Criteria: Invitae Variant Classification Sherloc (09022015). Collection method: clinical testing. Allele origin: germline.
Comment: This sequence change affects codon 336 of the CFI mRNA. It is a 'silent' change, meaning that it does not change the encoded amino acid sequence of the CFI protein. This variant is present in population databases (no rsID available, gnomAD 0.003%). This variant has not been reported in the literature in individuals affected with CFI-related conditions. ClinVar contains an entry for this variant (Variation ID: 3677477). Algorithms developed to predict the effect of sequence changes on RNA splicing suggest that this variant may disrupt the consensus splice site. In summary, the available evidence is currently insufficient to determine the role of this variant in disease. Therefore, it has been classified as a Variant of Uncertain Significance.